The following is an entry in ClinVar:

ClinVar aggregate classification (germline): Pathogenic. Review status: criteria provided, multiple submitters, no conflicts (2 of 4 stars). 3 submissions from 3 submitters: Pathogenic (3). Last evaluated 2025-08-26.

Conditions:
Telangiectasia, hereditary hemorrhagic, type 1 (HHT1). Also called: Osler Weber Rendu syndrome type 1; ENG-Related Hereditary Hemorrhagic Telangiectasia. Identifiers: Orphanet 774, MedGen C4551861, MONDO:0008535, OMIM 187300. Disease mechanism: loss of function.
Hereditary hemorrhagic telangiectasia (HHT). Also called: ORW DISEASE; Osler Weber Rendu syndrome; OSLER-RENDU-WEBER DISEASE; Osler hemorrhagic telangiectasia syndrome. Identifiers: Orphanet 774, MedGen C0039445, MONDO:0019180. Disease mechanism: loss of function.

Submissions (3):

Mayo Clinic Laboratories, Mayo Clinic
Classification: Pathogenic. Last evaluated: 2025-08-26. Review status: criteria provided, single submitter. Criteria: ACMG Guidelines, 2015. Collection method: clinical testing. Allele origin: germline. Observed: 1 variant allele.
Comment: PP4_moderate, PM2_supporting, PVS1

Labcorp Genetics (formerly Invitae), Labcorp
Classification: Pathogenic for Hereditary hemorrhagic telangiectasia. Last evaluated: 2023-08-31. Review status: criteria provided, single submitter. Criteria: Invitae Variant Classification Sherloc (09022015). Collection method: clinical testing. Allele origin: germline.
Comment: This sequence change creates a premature translational stop signal (p.Glu468*) in the ENG gene. It is expected to result in an absent or disrupted protein product. Loss-of-function variants in ENG are known to be pathogenic (PMID: 15879500). This variant is not present in population databases (gnomAD no frequency). For these reasons, this variant has been classified as Pathogenic. This premature translational stop signal has been observed in individual(s) with hereditary hemorrhagic telangiectasia (PMID: 18498373).

MVZ Martinsried, Medicover Genetics
Classification: Pathogenic for Telangiectasia, hereditary hemorrhagic, type 1. Last evaluated: 2023-05-16. Review status: criteria provided, single submitter. Criteria: ACGS Guidelines, 2020. Collection method: clinical testing. Allele origin: unknown. Affected: yes.

Literature cited by the submitters: PubMed 18498373 (cited by Mayo Clinic Laboratories, Mayo Clinic and Labcorp Genetics (formerly Invitae), Labcorp); PubMed 15879500 (cited by Labcorp Genetics (formerly Invitae), Labcorp).

NM_001114753.3(ENG):c.1402G>T (p.Glu468Ter)

Genes: ENG (endoglin; minus strand), LOC102723566 (uncharacterized LOC102723566; plus strand). Cytogenetic location: 9q34.11.
Variant type: single nucleotide variant.
Coding change: c.1402G>T on transcript NM_001114753.3 (MANE Select); coding-DNA position 1402, G replaced by T.
Protein change: p.Glu468Ter; replaces glutamic acid 468 with a stop codon.
Molecular consequence: nonsense.
Genome position (GRCh38, 1-based): chr9:127,818,742, C>A on the plus strand (G>T on the coding strand, the complement: ENG is on the minus strand). VCF-style: chr9-127818742-C-A. GRCh37 (hg19) VCF-style: chr9-130581021-C-A.
Other names: p.Glu468*; c.1402G>T, p.Glu468Ter (NM_000118.4); c.856G>T, p.Glu286Ter (NM_001278138.2); short protein forms E286*, E468*.
Identifiers: ClinVar variation 2683960 (VCV002683960.5), dbSNP rs370554511, ClinGen allele CA374976825.
Genomic context (GRCh38, chr9:127,818,742, plus strand): 5'-GGGAGGCCCGAGGGGTGACAGGCATGCCAGGTACCTGCACAAAGCTCTGCTGCCCCGGCT[C>A]GATGGTGTTGGAGGCCTGGAGGAAGTGTGGGCTGAGGTAGAGGCCCAGCTGGAAAGAGAG-3'